The following is an entry in ClinVar:

ClinVar aggregate classification (germline): Uncertain significance (1 of 4 stars; one submission).

Conditions:
Epidermolysis bullosa simplex with nail dystrophy (EBS5D). Identifiers: MedGen C4225309, MONDO:0014661, OMIM 616487.
Epidermolysis bullosa simplex 5C, with pyloric atresia (EBS5C). Also called: PLEC-Related Epidermolysis Bullosa with Pyloric Atresia; Epidermolysis bullosa simplex with pyloric atresia; PLEC1-Related Epidermolysis Bullosa with Pyloric Atresia. Identifiers: Orphanet 158684, MedGen C2677349, MONDO:0012807, OMIM 612138.
Autosomal recessive limb-girdle muscular dystrophy type 2Q (LGMDR17). Also called: MUSCULAR DYSTROPHY, LIMB-GIRDLE, AUTOSOMAL RECESSIVE 17. Identifiers: Orphanet 254361, MedGen C3150989, MONDO:0013390, OMIM 613723.
Epidermolysis bullosa simplex, Ogna type (EBS5A). Also called: Pidermolysis bullosa simplex 5A, Ogna type; EPIDERMOLYSIS BULLOSA SIMPLEX 5A, OGNA TYPE. Identifiers: Orphanet 79401, MedGen C0432317, MONDO:0007555, OMIM 131950.
Epidermolysis bullosa simplex 5B, with muscular dystrophy (EBS5B). Also called: EPIDERMOLYSIS BULLOSA SIMPLEX AND LIMB-GIRDLE MUSCULAR DYSTROPHY; Epidermolysis bullosa simplex with muscular dystrophy. Identifiers: Orphanet 257, MedGen C2931072, MONDO:0009181, OMIM 226670.

Allele frequency attached by ClinVar (database versions not stated): gnomAD exomes below 0.00001.
gnomAD v4.1: 1 of 1,591,980 alleles (0.000063%); highest among the groups gnomAD compares: Admixed American, 0.0017%; no homozygotes.

Submission:

Labcorp Genetics (formerly Invitae), Labcorp
Classification: Uncertain significance for Autosomal recessive limb-girdle muscular dystrophy type 2Q; Epidermolysis bullosa simplex, Ogna type; Epidermolysis bullosa simplex with nail dystrophy; Epidermolysis bullosa simplex 5C, with pyloric atresia; Epidermolysis bullosa simplex 5B, with muscular dystrophy. Last evaluated: 2024-01-08. Review status: criteria provided, single submitter. Criteria: Invitae Variant Classification Sherloc (09022015). Collection method: clinical testing. Allele origin: germline.
Comment: This sequence change replaces lysine, which is basic and polar, with glutamic acid, which is acidic and polar, at codon 1442 of the PLEC protein (p.Lys1442Glu). This variant is not present in population databases (gnomAD no frequency). This variant has not been reported in the literature in individuals affected with PLEC-related conditions. Advanced modeling of protein sequence and biophysical properties (such as structural, functional, and spatial information, amino acid conservation, physicochemical variation, residue mobility, and thermodynamic stability) has been performed at Invitae for this missense variant, however the output from this modeling did not meet the statistical confidence thresholds required to predict the impact of this variant on PLEC protein function. In summary, the available evidence is currently insufficient to determine the role of this variant in disease. Therefore, it has been classified as a Variant of Uncertain Significance.

NM_201384.3(PLEC):c.4243A>G (p.Lys1415Glu)

Gene: PLEC (plectin; minus strand). Cytogenetic location: 8q24.3.
Variant type: single nucleotide variant.
Coding change: c.4243A>G on transcript NM_201384.3 (MANE Select); coding-DNA position 4243, A replaced by G.
Protein change: p.Lys1415Glu; replaces lysine 1415 with glutamic acid.
Molecular consequence: missense variant. On other transcripts: intron variant (1).
Genome position (GRCh38, 1-based): chr8:143,925,686, T>C on the plus strand (A>G on the coding strand, the complement: PLEC is on the minus strand). VCF-style: chr8-143925686-T-C. GRCh37 (hg19) VCF-style: chr8-144999854-T-C.
Other names: c.4324A>G, p.Lys1442Glu (NM_000445.5); c.4201A>G, p.Lys1401Glu (NM_201378.4); c.4177A>G, p.Lys1393Glu (NM_201379.3); c.4654A>G, p.Lys1552Glu (NM_201380.4); c.4147A>G, p.Lys1383Glu (NM_201381.3); c.4243A>G, p.Lys1415Glu (NM_201382.4); c.4255A>G, p.Lys1419Glu (NM_201383.3); c.4125+1098A>G (NM_001410941.1); short protein forms K1401E, K1552E, K1393E, K1415E, K1383E, K1419E, K1442E.
Identifiers: ClinVar variation 2933328 (VCV002933328.3), dbSNP rs2538090745, ClinGen allele CA372558993.